The following is an entry in ClinVar:

NM_005529.7(HSPG2):c.6002G>A (p.Arg2001Gln)

Gene: HSPG2 (heparan sulfate proteoglycan 2; minus strand). Cytogenetic location: 1p36.12.
Variant type: single nucleotide variant.
Coding change: c.6002G>A on transcript NM_005529.7 (MANE Select); coding-DNA position 6002, G replaced by A.
Protein change: p.Arg2001Gln; replaces arginine 2001 with glutamine.
Molecular consequence: missense variant.
Genome position (GRCh38, 1-based): chr1:21,854,979, C>T on the plus strand (G>A on the coding strand, the complement: HSPG2 is on the minus strand). VCF-style: chr1-21854979-C-T. GRCh37 (hg19) VCF-style: chr1-22181472-C-T.
Other names: c.6005G>A, p.Arg2002Gln (NM_001291860.2); c.6002G>A (NM_005529.6); short protein forms R2001Q, R2002Q.
Identifiers: ClinVar variation 235528 (VCV000235528.11), dbSNP rs368627489, ClinGen allele CA671709.

ClinVar aggregate classification (germline): Uncertain significance. Review status: criteria provided, multiple submitters, no conflicts (2 of 4 stars). 6 submissions from 5 submitters: Uncertain significance (6). Last evaluated 2024-10-08.

Conditions:
Schwartz-Jampel syndrome. Also called: Myotonic myopathy dwarfism chondrodystrophy and ocular and facial abnormalities. Identifiers: Orphanet 800, MedGen C0036391, MONDO:0009717.
Lethal Kniest-like syndrome (DDSH). Also called: Dyssegmental Dysplasia. Identifiers: Orphanet 1865, MedGen C1857100, MONDO:0009140, OMIM 224410.

Allele frequency attached by ClinVar (database versions not stated): gnomAD exomes 0.00009; ExAC 0.00010; gnomAD 0.00018 and 0.00019; 1000 Genomes Project 0.00020; TOPMed 0.00020; 1000 Genomes Project 30x 0.00031; ESP Exome Variant Server 0.00046.
gnomAD v4.1: 97 of 1,612,530 alleles (0.006%); highest among the groups gnomAD compares: African/African-American, 0.044%; no homozygotes.

Submissions (6):

Athena Diagnostics
Classification: Uncertain significance. Last evaluated: 2024-10-08. Review status: criteria provided, single submitter. Criteria: Athena Diagnostics Criteria. Collection method: clinical testing. Allele origin: unknown.
Comment: Available data are insufficient to determine the clinical significance of the variant at this time. The frequency of this variant in the general population is uninformative in assessment of its pathogenicity. Polyphen and MutationTaster yielded discordant predictions regarding whether this amino acid change is damaging to the protein.

Blueprint Genetics
Classification: Uncertain significance. Last evaluated: 2023-12-18. Review status: criteria provided, single submitter. Criteria: ACMG Guidelines, 2015. Collection method: clinical testing. Allele origin: germline.

Illumina Laboratory Services, Illumina
Classification: Uncertain significance for Lethal Kniest-like syndrome. Last evaluated: 2018-01-12. Review status: criteria provided, single submitter. Criteria: ICSL Variant Classification Criteria 13 December 2019. Collection method: clinical testing. Allele origin: germline.

Illumina Laboratory Services, Illumina
Classification: Uncertain significance for Schwartz-Jampel syndrome type 1. Last evaluated: 2018-01-12. Review status: criteria provided, single submitter. Criteria: ICSL Variant Classification Criteria 13 December 2019. Collection method: clinical testing. Allele origin: germline.

GeneDx
Classification: Uncertain significance. Last evaluated: 2017-09-15. Review status: criteria provided, single submitter. Criteria: GeneDx Variant Classification (06012015). Collection method: clinical testing. Allele origin: germline. Affected: yes.
Comment: The R2001Q variant in the HSPG2 gene has not been reported previously as a pathogenic variant, nor as a benign variant, to our knowledge. The R2001Q variant is observed in 7/10214 (0.068%) alleles from individuals of African background in the ExAC dataset (Lek et al., 2016). The R2001Q variant is a semi-conservative amino acid substitution, which may impact secondary protein structure as these residues differ in some properties. This substitution occurs at a position that is conserved across species. In silico analysis is inconsistent in its predictions as to whether or not the variant is damaging to the protein structure/function. We interpret R2001Q as a variant of uncertain significance.

Center for Pediatric Genomic Medicine, Children's Mercy Hospital and Clinics
Classification: Uncertain significance. Last evaluated: 2015-08-26. Review status: criteria provided, single submitter. Criteria: ACMG Guidelines, 2015. Collection method: clinical testing. Allele origin: germline.
ClinVar note: Converted during submission from Uncertain Significance to Uncertain significance.